The following is an entry in ClinVar:

NM_014141.6(CNTNAP2):c.1857C>A (p.Ser619Arg)

Gene: CNTNAP2 (contactin associated protein 2; plus strand). Cytogenetic location: 7q35.
Variant type: single nucleotide variant.
Coding change: c.1857C>A on transcript NM_014141.6 (MANE Select); coding-DNA position 1857, C replaced by A.
Protein change: p.Ser619Arg; replaces serine 619 with arginine.
Molecular consequence: missense variant.
Genome position (GRCh38, 1-based): chr7:147,562,217, C>A. VCF-style: chr7-147562217-C-A. GRCh37 (hg19) VCF-style: chr7-147259309-C-A.
Other names: short protein forms S619R.
Identifiers: ClinVar variation 3253490 (VCV003253490.1), dbSNP rs753699122.
Genomic context (GRCh38, chr7:147,562,217, plus strand): 5'-TGAAGCCTACAAACACCTAGGACAGACATCAAATTATTACTGGATAGATCCTGATGGCAG[C>A]GGACCTCTGGGGCCTCTGAAAGTTTACTGCAACATGACAGGTAACTGTGTCATATTTATG-3'
Protein context (NP_054860.1, residues 609-629): SNYYWIDPDG[Ser619Arg]GPLGPLKVYC

ClinVar aggregate classification (germline): Uncertain significance (1 of 4 stars; one submission).

Submission:

GeneDx
Classification: Uncertain significance. Last evaluated: 2024-03-25. Review status: criteria provided, single submitter. Criteria: GeneDx Variant Classification Process June 2021. Collection method: clinical testing. Allele origin: germline. Affected: yes.
Comment: Not observed at significant frequency in large population cohorts (gnomAD); In silico analysis supports that this missense variant has a deleterious effect on protein structure/function; Has not been previously published as pathogenic or benign to our knowledge